The following is an entry in ClinVar:

ClinVar aggregate classification (germline): Conflicting classifications of pathogenicity. Review status: criteria provided, conflicting classifications (1 of 4 stars). 5 submissions from 5 submitters: Uncertain significance (1); Likely benign (3). 1 of the submissions does not count toward it. Last evaluated 2025-05-25.

Conditions:
OTOG-related disorder. Also called: OTOG-related condition.

Allele frequency attached by ClinVar (database versions not stated): 1000 Genomes Project 30x 0.00016; 1000 Genomes Project 0.00020; TOPMed 0.00032.

Submissions (5):

Labcorp Genetics (formerly Invitae), Labcorp
Classification: Likely benign. Last evaluated: 2025-05-25. Review status: criteria provided, single submitter. Criteria: Invitae Variant Classification Sherloc (09022015). Collection method: clinical testing. Allele origin: germline.

Blueprint Genetics
Classification: Uncertain significance. Last evaluated: 2024-01-18. Review status: criteria provided, single submitter. Criteria: ACMG Guidelines, 2015. Collection method: clinical testing. Allele origin: germline.

GeneDx
Classification: Likely benign. Last evaluated: 2021-01-19. Review status: criteria provided, single submitter. Criteria: GeneDx Variant Classification Process June 2021. Collection method: clinical testing. Allele origin: germline. Affected: yes.

Laboratory for Molecular Medicine, Mass General Brigham Personalized Medicine
Classification: Likely benign. Last evaluated: 2016-06-02. Review status: criteria provided, single submitter. Criteria: LMM Criteria. Collection method: clinical testing. Allele origin: germline. Observed: 1 variant allele.
Comment: p.Pro2778Pro in exon 52 of OTOG: This variant is not expected to have clinical s ignificance because it does not alter an amino acid residue and is not located w ithin the splice consensus sequence. It has been identified in 1/4008 European c hromosomes by the Exome Aggregation Consortium (ExAC .org; dbSNP rs569159135).

PreventionGenetics, part of Exact Sciences
Classification: Likely benign for OTOG-related condition. Last evaluated: 2019-10-21. Review status: no assertion criteria provided. Collection method: clinical testing. Allele origin: germline. Not counted in ClinVar's aggregate classification.
Comment: This variant is classified as likely benign based on ACMG/AMP sequence variant interpretation guidelines (Richards et al. 2015 PMID: 25741868, with internal and published modifications).

NM_001292063.2(OTOG):c.8298C>A (p.Pro2766=)

Gene: OTOG (otogelin; plus strand). Cytogenetic location: 11p15.1.
Variant type: single nucleotide variant.
Coding change: c.8298C>A on transcript NM_001292063.2 (MANE Select); coding-DNA position 8298, C replaced by A.
Protein change: p.Pro2766=; no amino-acid change (proline 2766 retained).
Molecular consequence: synonymous variant.
Genome position (GRCh38, 1-based): chr11:17,642,129, C>A. VCF-style: chr11-17642129-C-A. GRCh37 (hg19) VCF-style: chr11-17663676-C-A.
Other names: c.8334C>A, p.Pro2778= (NM_001277269.2).
Identifiers: ClinVar variation 505066 (VCV000505066.17), dbSNP rs569159135, ClinGen allele CA5906269.